The following is an entry in ClinVar:

ClinVar aggregate classification (germline): Uncertain significance (1 of 4 stars; one submission).

Conditions:
Hereditary breast ovarian cancer syndrome. Also called: Hereditary breast and ovarian cancer; Hereditary breast and ovarian cancer syndrome (HBOC); Hereditary breast and/or ovarian cancer syndrome; Hereditary breast and ovarian cancer syndrome; Breast and ovarian cancer; BRCA1- and BRCA2-Associated Hereditary Breast and Ovarian Cancer. Identifiers: Orphanet 145, MedGen C0677776, MeSH D061325, MONDO:0003582. Disease mechanism: loss of function.

gnomAD v4.1: 1 of 1,613,986 alleles (0.000062%); highest among the groups gnomAD compares: Non-Finnish European, 0.000085%; no homozygotes.

Submission:

Labcorp Genetics (formerly Invitae), Labcorp
Classification: Uncertain significance for Hereditary breast ovarian cancer syndrome. Last evaluated: 2024-08-15. Review status: criteria provided, single submitter. Criteria: Invitae Variant Classification Sherloc (09022015). Collection method: clinical testing. Allele origin: germline.
Comment: This sequence change replaces valine, which is neutral and non-polar, with glycine, which is neutral and non-polar, at codon 545 of the BRCA2 protein (p.Val545Gly). This variant is not present in population databases (gnomAD no frequency). This variant has not been reported in the literature in individuals affected with BRCA2-related conditions. Invitae Evidence Modeling of protein sequence and biophysical properties (such as structural, functional, and spatial information, amino acid conservation, physicochemical variation, residue mobility, and thermodynamic stability) indicates that this missense variant is not expected to disrupt BRCA2 protein function with a negative predictive value of 95%. In summary, the available evidence is currently insufficient to determine the role of this variant in disease. Therefore, it has been classified as a Variant of Uncertain Significance.

NM_000059.4(BRCA2):c.1634T>G (p.Val545Gly)

Gene: BRCA2 (BRCA2 DNA repair associated; plus strand). Cytogenetic location: 13q13.1.
Variant type: single nucleotide variant.
Coding change: c.1634T>G on transcript NM_000059.4 (MANE Select); coding-DNA position 1634, T replaced by G.
Protein change: p.Val545Gly; replaces valine 545 with glycine.
Molecular consequence: missense variant. On other transcripts: non-coding transcript variant (1), intron variant (1).
Genome position (GRCh38, 1-based): chr13:32,333,112, T>G. VCF-style: chr13-32333112-T-G. GRCh37 (hg19) VCF-style: chr13-32907249-T-G.
Other names: c.1634T>G, p.Val545Gly (NM_001406719.1, NM_001406720.1, NM_001406721.1 and 1 more transcripts); c.424+2082T>G (NM_001406722.1); short protein forms V545G.
Identifiers: ClinVar variation 3629249 (VCV003629249.2).